The following is an entry in ClinVar:

NM_001291867.2(NHS):c.2204G>A (p.Arg735His)

Gene: NHS (NHS actin remodeling regulator; plus strand). Cytogenetic location: Xp22.13.
Variant type: single nucleotide variant.
Coding change: c.2204G>A on transcript NM_001291867.2 (MANE Select); coding-DNA position 2204, G replaced by A.
Protein change: p.Arg735His; replaces arginine 735 with histidine.
Molecular consequence: missense variant.
Genome position (GRCh38, 1-based): chrX:17,726,310, G>A. VCF-style: chrX-17726310-G-A. GRCh37 (hg19) VCF-style: chrX-17744430-G-A.
Other names: c.1673G>A, p.Arg558His (NM_001136024.4); c.1610G>A, p.Arg537His (NM_001291868.2); c.2141G>A, p.Arg714His (NM_198270.4); short protein forms R714H, R558H, R735H, R537H.
Identifiers: ClinVar variation 161851 (VCV000161851.11), dbSNP rs193921046, ClinGen allele CA174906.

ClinVar aggregate classification (germline): Benign/Likely benign. Review status: criteria provided, multiple submitters, no conflicts (2 of 4 stars). 3 submissions from 3 submitters: Benign (1); Likely benign (1). 1 of the submissions does not count toward it. Last evaluated 2026-01-30.

Conditions:
Inborn genetic diseases. Identifiers: MedGen C0950123, MeSH D030342.
Nance-Horan syndrome (NHS). Identifiers: Orphanet 627, MedGen C0796085, MONDO:0010545, OMIM 302350.
Prostate cancer. Also called: Malignant tumor of prostate. Identifiers: Orphanet 1331, MedGen C0376358, MONDO:0008315, HP:0012125.

Allele frequency attached by ClinVar (database versions not stated): gnomAD exomes 0.00004 and 0.00010; ExAC 0.00010; gnomAD 0.00006; TOPMed 0.00007.
gnomAD v4.1: 44 of 1,210,438 alleles (0.0036%); highest among the groups gnomAD compares: East Asian, 0.05%; no homozygotes.

Submissions (3):

Labcorp Genetics (formerly Invitae), Labcorp
Classification: Benign for Nance-Horan syndrome. Last evaluated: 2026-01-30. Review status: criteria provided, single submitter. Criteria: Invitae Variant Classification Sherloc (09022015). Collection method: clinical testing. Allele origin: germline.

Ambry Genetics
Classification: Likely benign for Inborn genetic diseases. Last evaluated: 2023-08-02. Review status: criteria provided, single submitter. Criteria: Ambry Variant Classification Scheme 2023. Collection method: clinical testing. Allele origin: germline.

Science for Life laboratory,  Karolinska Institutet
Classification: Uncertain significance for Malignant tumor of prostate. Review status: no assertion criteria provided. Collection method: not provided. Allele origin: somatic. Not counted in ClinVar's aggregate classification.
Comment: TumorID:SWE-9
ClinVar note: Converted during submission from Unknown to Uncertain significance.